The following is an entry in ClinVar:

NM_001183.6(ATP6AP1):c.179C>G (p.Ala60Gly)

Gene: ATP6AP1 (ATPase H+ transporting accessory protein 1; plus strand). Cytogenetic location: Xq28.
Variant type: single nucleotide variant.
Coding change: c.179C>G on transcript NM_001183.6 (MANE Select); coding-DNA position 179, C replaced by G.
Protein change: p.Ala60Gly; replaces alanine 60 with glycine.
Molecular consequence: missense variant.
Genome position (GRCh38, 1-based): chrX:154,429,065, C>G. VCF-style: chrX-154429065-C-G. GRCh37 (hg19) VCF-style: chrX-153657411-C-G.
Other names: short protein forms A60G.
Identifiers: ClinVar variation 1909659 (VCV001909659.5), dbSNP rs139929144, ClinGen allele CA10562524.
Genomic context (GRCh38, chrX:154,429,065, plus strand): 5'-ACATGCGCCCCCGTCTGACAGCACCTCTTCTGTGCCCTGCCAGGGACTTGTGGGCTCCTG[C>G]GGCCGACACTCATGAAGGCCACATCACCAGCGACTTGCAGCTCTCTACCTACTTAGATCC-3'
Protein context (NP_001174.2, residues 50-70): WSSDRDLWAP[Ala60Gly]ADTHEGHITS

ClinVar aggregate classification (germline): Uncertain significance (1 of 4 stars; one submission).

Allele frequency attached by ClinVar (database versions not stated): ExAC 0.00001; gnomAD 0.00002; TOPMed 0.00003; ESP Exome Variant Server 0.00019.

Submission:

Labcorp Genetics (formerly Invitae), Labcorp
Classification: Uncertain significance. Last evaluated: 2024-08-14. Review status: criteria provided, single submitter. Criteria: Invitae Variant Classification Sherloc (09022015). Collection method: clinical testing. Allele origin: germline.
Comment: This sequence change replaces alanine, which is neutral and non-polar, with glycine, which is neutral and non-polar, at codon 60 of the ATP6AP1 protein (p.Ala60Gly). This variant is present in population databases (rs139929144, gnomAD 0.001%). This variant has not been reported in the literature in individuals affected with ATP6AP1-related conditions. ClinVar contains an entry for this variant (Variation ID: 1909659). Invitae Evidence Modeling of protein sequence and biophysical properties (such as structural, functional, and spatial information, amino acid conservation, physicochemical variation, residue mobility, and thermodynamic stability) indicates that this missense variant is not expected to disrupt ATP6AP1 protein function with a negative predictive value of 80%. In summary, the available evidence is currently insufficient to determine the role of this variant in disease. Therefore, it has been classified as a Variant of Uncertain Significance.